The following is an entry in ClinVar:

NM_018136.5(ASPM):c.719C>G (p.Ser240Cys)

Gene: ASPM (assembly factor for spindle microtubules; minus strand). Cytogenetic location: 1q31.3.
Variant type: single nucleotide variant.
Coding change: c.719C>G on transcript NM_018136.5 (MANE Select); coding-DNA position 719, C replaced by G.
Protein change: p.Ser240Cys; replaces serine 240 with cysteine.
Molecular consequence: missense variant.
Genome position (GRCh38, 1-based): chr1:197,143,533, G>C on the plus strand (C>G on the coding strand, the complement: ASPM is on the minus strand). VCF-style: chr1-197143533-G-C. GRCh37 (hg19) VCF-style: chr1-197112663-G-C.
Other names: c.719C>G, p.Ser240Cys (NM_001206846.2); c.719C>G (NM_018136.4); short protein forms S240C.
Identifiers: ClinVar variation 1382562 (VCV001382562.4), dbSNP rs140646088, ClinGen allele CA1310817.

ClinVar aggregate classification (germline): Uncertain significance. Review status: criteria provided, multiple submitters, no conflicts (2 of 4 stars). 2 submissions from 2 submitters: Uncertain significance (2). Last evaluated 2024-01-16.

Conditions:
Inborn genetic diseases. Identifiers: MedGen C0950123, MeSH D030342.

Allele frequency attached by ClinVar (database versions not stated): ExAC 0.00002; gnomAD exomes 0.00002; gnomAD 0.00007 and 0.00009; ESP Exome Variant Server 0.00008; TOPMed 0.00011.
gnomAD v4.1: 25 of 1,613,810 alleles (0.0015%); highest among the groups gnomAD compares: African/African-American, 0.031%; no homozygotes.

Submissions (2):

Ambry Genetics
Classification: Uncertain significance for Inborn genetic diseases. Last evaluated: 2024-01-16. Review status: criteria provided, single submitter. Criteria: Ambry Variant Classification Scheme 2023. Collection method: clinical testing. Allele origin: germline.

Labcorp Genetics (formerly Invitae), Labcorp
Classification: Uncertain significance. Last evaluated: 2022-10-13. Review status: criteria provided, single submitter. Criteria: Invitae Variant Classification Sherloc (09022015). Collection method: clinical testing. Allele origin: germline.
Comment: This sequence change replaces serine, which is neutral and polar, with cysteine, which is neutral and slightly polar, at codon 240 of the ASPM protein (p.Ser240Cys). This variant is present in population databases (rs140646088, gnomAD 0.02%). This variant has not been reported in the literature in individuals affected with ASPM-related conditions. ClinVar contains an entry for this variant (Variation ID: 1382562). Advanced modeling of protein sequence and biophysical properties (such as structural, functional, and spatial information, amino acid conservation, physicochemical variation, residue mobility, and thermodynamic stability) performed at Invitae indicates that this missense variant is not expected to disrupt ASPM protein function. In summary, the available evidence is currently insufficient to determine the role of this variant in disease. Therefore, it has been classified as a Variant of Uncertain Significance.